The following is an entry in ClinVar:

ClinVar aggregate classification (germline): Pathogenic (1 of 4 stars; one submission).

Conditions:
Lynch syndrome 5 (LYNCH5). Also called: Colorectal cancer, hereditary nonpolyposis, type 5; Hereditary non-polyposis colorectal cancer, type 5. Identifiers: Orphanet 144, MedGen C1833477, MONDO:0013710, OMIM 614350. Disease mechanism: loss of function.

Submission:

Myriad Genetics, Inc.
Classification: Pathogenic for Lynch syndrome 5. Last evaluated: 2025-02-27. Review status: criteria provided, single submitter. Criteria: Myriad Autosomal Dominant, Autosomal Recessive and X-Linked Classification Criteria (2023). Collection method: clinical testing. Allele origin: unknown.
Comment: This variant is considered pathogenic. This variant creates a termination codon and is predicted to result in premature protein truncation.

NM_000179.3(MSH6):c.1983del (p.Gly661_Met662insTer)

Gene: MSH6 (mutS homolog 6; plus strand). Cytogenetic location: 2p16.3.
Variant type: Deletion.
Coding change: c.1983del on transcript NM_000179.3 (MANE Select); coding-DNA position 1983, one base deleted (T; older notation c.1983delT).
Protein change: p.Gly661_Met662insTer.
Molecular consequence: frameshift variant. On other transcripts: non-coding transcript variant (5), intron variant (2).
Genome position (GRCh38, 1-based): chr2:47,799,966, T deleted. VCF-style (leftmost placement, unchanged base first): chr2-47799965-GT-G. GRCh37 (hg19) VCF-style: chr2-48027104-GT-G.
Other names: c.1593del, p.Gly531_Met532insTer (NM_001281492.2); c.1077del, p.Gly359_Met360insTer (NM_001281493.2, NM_001281494.2, NM_001406811.1 and 6 more transcripts); c.2079del, p.Gly693_Met694insTer (NM_001406795.1, NM_001406802.1); c.1983del, p.Gly661_Met662insTer (NM_001406796.1, NM_001406798.1, NM_001406800.1 and 3 more transcripts); c.1686del, p.Gly562_Met563insTer (NM_001406797.1, NM_001406801.1, NM_001406805.1 and 10 more transcripts); c.1458del, p.Gly486_Met487insTer (NM_001406799.1, NM_001406806.1, NM_001406807.1); c.1905del, p.Gly635_Met636insTer (NM_001406804.1); c.1989del, p.Gly663_Met664insTer (NM_001406813.1); and 3 more.
Identifiers: ClinVar variation 3904730 (VCV003904730.1).